The following is an entry in ClinVar:

NM_001394062.1(MACF1):c.18604T>C (p.Trp6202Arg)

Gene: MACF1 (microtubule actin crosslinking factor 1; plus strand). Cytogenetic location: 1p34.3.
Variant type: single nucleotide variant.
Coding change: c.18604T>C on transcript NM_001394062.1 (MANE Select); coding-DNA position 18604, T replaced by C.
Protein change: p.Trp6202Arg; replaces tryptophan 6202 with arginine.
Molecular consequence: missense variant.
Genome position (GRCh38, 1-based): chr1:39,441,257, T>C. VCF-style: chr1-39441257-T-C. GRCh37 (hg19) VCF-style: chr1-39906929-T-C.
Other names: c.6682T>C, p.Trp2228Arg (NM_001397473.1); c.12427T>C, p.Trp4143Arg (NM_012090.5); short protein forms W2228R, W4143R, W6202R.
Identifiers: ClinVar variation 3365882 (VCV003365882.1).

ClinVar aggregate classification (germline): Uncertain significance (1 of 4 stars; one submission).

gnomAD v4.1: 1 of 1,614,146 alleles (0.000062%); highest among the groups gnomAD compares: Non-Finnish European, 0.000085%; no homozygotes.

Submission:

GeneDx
Classification: Uncertain significance. Last evaluated: 2023-12-21. Review status: criteria provided, single submitter. Criteria: GeneDx Variant Classification Process June 2021. Collection method: clinical testing. Allele origin: germline. Affected: yes.
Comment: Not observed at significant frequency in large population cohorts (gnomAD); In silico analysis supports that this missense variant has a deleterious effect on protein structure/function; Has not been previously published as pathogenic or benign to our knowledge